The following is an entry in ClinVar:

ClinVar aggregate classification (germline): Uncertain significance (1 of 4 stars; one submission).

Submission:

Ambry Genetics
Classification: Uncertain significance. Last evaluated: 2026-03-02. Review status: criteria provided, single submitter. Criteria: Ambry Variant Classification Scheme 2023. Collection method: clinical testing. Allele origin: germline.
Comment: The p.I137L variant (also known as c.409A>C), located in coding exon 3 of the ATRIP gene, results from an A to C substitution at nucleotide position 409. The isoleucine at codon 137 is replaced by leucine, an amino acid with highly similar properties. This amino acid position is conserved. In addition, this alteration is predicted to be tolerated by in silico analysis. Based on the available evidence, the clinical significance of this variant remains unclear.

NM_130384.3(ATRIP):c.409A>C (p.Ile137Leu)

Genes: ATRIP (ATR interacting protein; plus strand), ATRIP-TREX1 (ATRIP-TREX1 readthrough; plus strand). Cytogenetic location: 3p21.31.
Variant type: single nucleotide variant.
Coding change: c.409A>C on transcript NM_130384.3 (MANE Select); coding-DNA position 409, A replaced by C.
Protein change: p.Ile137Leu; replaces isoleucine 137 with leucine.
Molecular consequence: missense variant. On other transcripts: non-coding transcript variant (1).
Genome position (GRCh38, 1-based): chr3:48,451,756, A>C. VCF-style: chr3-48451756-A-C. GRCh37 (hg19) VCF-style: chr3-48493162-A-C.
Other names: c.28A>C, p.Ile10Leu (NM_001271022.2); c.130A>C, p.Ile44Leu (NM_001271023.2); c.409A>C, p.Ile137Leu (NM_032166.4); short protein forms I10L, I137L, I44L.
Identifiers: ClinVar variation 4826272 (VCV004826272.1).